The following is an entry in ClinVar:

ClinVar aggregate classification (germline): Uncertain significance (1 of 4 stars; one submission).

Conditions:
Multiple endocrine neoplasia, type 1 (MEN1). Also called: MEA I; MEN I; WERMER SYNDROME; Endocrine adenomatosis multiple; MEN 1. Identifiers: Orphanet 652, MedGen C0025267, MeSH D018761, MONDO:0007540, OMIM 131100.

Submission:

Labcorp Genetics (formerly Invitae), Labcorp
Classification: Uncertain significance for Multiple endocrine neoplasia, type 1. Last evaluated: 2018-10-11. Review status: criteria provided, single submitter. Criteria: Invitae Variant Classification Sherloc (09022015). Collection method: clinical testing. Allele origin: germline.
Comment: This variant has not been reported in the literature in individuals with MEN1-related disease. This sequence change replaces alanine with proline at codon 541 of the MEN1 protein (p.Ala541Pro). The alanine residue is moderately conserved and there is a small physicochemical difference between alanine and proline. This variant is not present in population databases (ExAC no frequency). Algorithms developed to predict the effect of missense changes on protein structure and function output the following: SIFT: "Deleterious"; PolyPhen-2: "Not available"; Align-GVGD: "Class C0". The proline amino acid residue is found in multiple mammalian species, suggesting that this missense change does not adversely affect protein function. These predictions have not been confirmed by published functional studies and their clinical significance is uncertain. In summary, the available evidence is currently insufficient to determine the role of this variant in disease. Therefore, it has been classified as a Variant of Uncertain Significance.

NM_001370259.2(MEN1):c.1621A>C (p.Thr541Pro)

Gene: MEN1 (menin 1; minus strand). Cytogenetic location: 11q13.1.
Variant type: single nucleotide variant.
Coding change: c.1621A>C on transcript NM_001370259.2 (MANE Select); coding-DNA position 1621, A replaced by C.
Protein change: p.Thr541Pro; replaces threonine 541 with proline.
Molecular consequence: missense variant.
Genome position (GRCh38, 1-based): chr11:64,804,546, T>G on the plus strand (A>C on the coding strand, the complement: MEN1 is on the minus strand). VCF-style: chr11-64804546-T-G. GRCh37 (hg19) VCF-style: chr11-64572018-T-G.
Other names: c.1636A>C, p.Thr546Pro (NM_000244.4, NM_130800.3, NM_130801.3 and 3 more transcripts); c.1747A>C, p.Thr583Pro (NM_001370251.2); c.1621A>C, p.Thr541Pro (NM_001370260.2, NM_001370261.2, NM_130799.3); c.1516A>C, p.Thr506Pro (NM_001370262.2, NM_001370263.2); short protein forms A541P, T541P, T506P, T546P, T583P.
Identifiers: ClinVar variation 640201 (VCV000640201.7), dbSNP rs2959656, ClinGen allele CA381178066.
Genomic context (GRCh38, chr11:64,804,546, plus strand): 5'-TGCCCTTCATCTTCTCACTCTGGAAAGTGAGCACTGGACCCTCCGGCGGTGGTGATGCTG[T>G]GGGTGCTGGCACCTGAGCCGTGCTGCCACCTTCAGGGCCTCGGGCTGTGCCAGCGACAGT-3'
Protein context (NP_001357188.2, residues 531-551): GGSTAQVPAP[Thr541Pro]ASPPPEGPVL